The following is an entry in ClinVar:

ClinVar aggregate classification (germline): Uncertain significance. Review status: criteria provided, multiple submitters, no conflicts (2 of 4 stars). 2 submissions from 2 submitters: Uncertain significance (2). Last evaluated 2023-03-01.

Allele frequency attached by ClinVar (database versions not stated): ExAC 0.00009; gnomAD 0.00006; gnomAD exomes 0.00006; ESP Exome Variant Server 0.00008; TOPMed 0.00005.
gnomAD v4.1: 98 of 1,613,772 alleles (0.0061%); highest among the groups gnomAD compares: Non-Finnish European, 0.0081%; no homozygotes.

Submissions (2):

Ambry Genetics
Classification: Uncertain significance. Last evaluated: 2023-03-01. Review status: criteria provided, single submitter. Criteria: Ambry Variant Classification Scheme 2023. Collection method: clinical testing. Allele origin: germline.

Labcorp Genetics (formerly Invitae), Labcorp
Classification: Uncertain significance. Last evaluated: 2021-08-28. Review status: criteria provided, single submitter. Criteria: Invitae Variant Classification Sherloc (09022015). Collection method: clinical testing. Allele origin: germline.
Comment: This sequence change replaces asparagine with aspartic acid at codon 195 of the CIB1 protein (p.Asn195Asp). The asparagine residue is highly conserved and there is a small physicochemical difference between asparagine and aspartic acid. This variant is present in population databases (rs146621891, ExAC 0.02%). This variant has not been reported in the literature in individuals affected with CIB1-related conditions. Algorithms developed to predict the effect of missense changes on protein structure and function are either unavailable or do not agree on the potential impact of this missense change (SIFT: "Tolerated"; PolyPhen-2: "Not Available"; Align-GVGD: "Class C0"). In summary, the available evidence is currently insufficient to determine the role of this variant in disease. Therefore, it has been classified as a Variant of Uncertain Significance.

NM_006384.4(CIB1):c.463A>G (p.Asn155Asp)

Gene: CIB1 (calcium and integrin binding 1; minus strand). Cytogenetic location: 15q26.1.
Variant type: single nucleotide variant.
Coding change: c.463A>G on transcript NM_006384.4 (MANE Select); coding-DNA position 463, A replaced by G.
Protein change: p.Asn155Asp; replaces asparagine 155 with aspartic acid.
Molecular consequence: missense variant. On other transcripts: non-coding transcript variant (2).
Genome position (GRCh38, 1-based): chr15:90,231,097, T>C on the plus strand (A>G on the coding strand, the complement: CIB1 is on the minus strand). VCF-style: chr15-90231097-T-C. GRCh37 (hg19) VCF-style: chr15-90774329-T-C.
Other names: c.583A>G, p.Asn195Asp (NM_001277764.2); c.463A>G (NM_006384.3); short protein forms N155D, N195D.
Identifiers: ClinVar variation 1373118 (VCV001373118.6), dbSNP rs146621891, ClinGen allele CA7734174.